The following is an entry in ClinVar:

ClinVar aggregate classification (germline): Conflicting classifications of pathogenicity. Review status: criteria provided, conflicting classifications (1 of 4 stars). 4 submissions from 4 submitters: Uncertain significance (2); Likely benign (1). 1 of the submissions does not count toward it. Last evaluated 2025-07-20.

Conditions:
Hereditary cancer-predisposing syndrome. Also called: Neoplastic Syndromes, Hereditary; Hereditary Cancer Syndrome; Tumor predisposition; Hereditary neoplastic syndrome. Identifiers: Orphanet 140162, MedGen C0027672, MeSH D009386, MONDO:0015356.
Ataxia-telangiectasia syndrome (AT). Also called: LOUIS-BAR SYNDROME; Cerebello-oculocutaneous telangiectasia; Immunodeficiency with ataxia telangiectasia; Ataxia-telangiectasia, complementation group D; AT, COMPLEMENTATION GROUP C; Ataxia-telangiectasia, complementation group E. Identifiers: Orphanet 100, MedGen C0004135, MONDO:0008840, OMIM 208900.

Allele frequency attached by ClinVar (database versions not stated): TOPMed below 0.00001.

Submissions (4):

Labcorp Genetics (formerly Invitae), Labcorp
Classification: Uncertain significance for Ataxia-telangiectasia syndrome. Last evaluated: 2025-07-20. Review status: criteria provided, single submitter. Criteria: Invitae Variant Classification Sherloc (09022015). Collection method: clinical testing. Allele origin: germline.
Comment: This sequence change replaces valine, which is neutral and non-polar, with isoleucine, which is neutral and non-polar, at codon 2367 of the ATM protein (p.Val2367Ile). This variant is not present in population databases (gnomAD no frequency). This missense change has been observed in individual(s) with clinical features of ATM-related conditions (PMID: 35171259). ClinVar contains an entry for this variant (Variation ID: 407640). Invitae Evidence Modeling of protein sequence and biophysical properties (such as structural, functional, and spatial information, amino acid conservation, physicochemical variation, residue mobility, and thermodynamic stability) indicates that this missense variant is not expected to disrupt ATM protein function with a negative predictive value of 95%. In summary, the available evidence is currently insufficient to determine the role of this variant in disease. Therefore, it has been classified as a Variant of Uncertain Significance.

Ambry Genetics
Classification: Likely benign for Hereditary cancer-predisposing syndrome. Last evaluated: 2024-02-01. Review status: criteria provided, single submitter. Criteria: Ambry Variant Classification Scheme 2023. Collection method: clinical testing. Allele origin: germline.

Color Diagnostics, LLC DBA Color Health
Classification: Uncertain significance for Hereditary cancer-predisposing syndrome. Last evaluated: 2019-02-02. Review status: criteria provided, single submitter. Criteria: ACMG Guidelines, 2015. Collection method: clinical testing. Allele origin: germline.

Natera, Inc.
Classification: Uncertain significance for Ataxia-telangiectasia. Last evaluated: 2025-03-31. Review status: no assertion criteria provided. Collection method: clinical testing. Allele origin: germline. Not counted in ClinVar's aggregate classification.

Literature cited by the submitters: PubMed 35171259 (cited by Labcorp Genetics (formerly Invitae), Labcorp and Ambry Genetics).

NM_000051.4(ATM):c.7099G>A (p.Val2367Ile)

Genes: ATM (ATM serine/threonine kinase; plus strand), C11orf65 (chromosome 11 open reading frame 65; minus strand). Cytogenetic location: 11q22.3.
Variant type: single nucleotide variant.
Coding change: c.7099G>A on transcript NM_000051.4 (MANE Select); coding-DNA position 7099, G replaced by A.
Protein change: p.Val2367Ile; replaces valine 2367 with isoleucine.
Molecular consequence: missense variant. On other transcripts: intron variant (2).
Genome position (GRCh38, 1-based): chr11:108,329,030, G>A. VCF-style: chr11-108329030-G-A. GRCh37 (hg19) VCF-style: chr11-108199757-G-A.
Other names: c.7099G>A, p.Val2367Ile (NM_001351834.2); c.641-19959C>T (NM_001330368.2); c.*38+6190C>T (NM_001351110.2); short protein forms V2367I.
Identifiers: ClinVar variation 407640 (VCV000407640.50), dbSNP rs1060501647, ClinGen allele CA16613120.
Genomic context (GRCh38, chr11:108,329,030, plus strand): 5'-ATGTATTTAGTATTTGTAAATATAATTTAAATTGGTTGTGTTTTCTTGAAGGCAGTAGAA[G>A]TTGCTGGAAATTATGATGGAGAAAGTAGTGATGAGCTAAGAAATGGAAAAATGAAGGCAT-3'
Protein context (NP_000042.3, residues 2357-2377): MQTYLEKAVE[Val2367Ile]AGNYDGESSD